The following is an entry in ClinVar:

NM_000712.4(BLVRA):c.829C>T (p.Arg277Cys)

Gene: BLVRA (biliverdin reductase A; plus strand). Cytogenetic location: 7p13.
Variant type: single nucleotide variant.
Coding change: c.829C>T on transcript NM_000712.4 (MANE Select); coding-DNA position 829, C replaced by T.
Protein change: p.Arg277Cys; replaces arginine 277 with cysteine.
Molecular consequence: missense variant.
Genome position (GRCh38, 1-based): chr7:43,807,173, C>T. VCF-style: chr7-43807173-C-T. GRCh37 (hg19) VCF-style: chr7-43846772-C-T.
Other names: c.829C>T, p.Arg277Cys (NM_001253823.2); short protein forms R277C.
Identifiers: ClinVar variation 4691837 (VCV004691837.1).

ClinVar aggregate classification (germline): Uncertain significance (1 of 4 stars; one submission).

Submission:

Labcorp Genetics (formerly Invitae), Labcorp
Classification: Uncertain significance. Last evaluated: 2026-01-02. Review status: criteria provided, single submitter. Criteria: Invitae Variant Classification Sherloc (09022015). Collection method: clinical testing. Allele origin: germline.
Comment: This sequence change replaces arginine, which is basic and polar, with cysteine, which is neutral and slightly polar, at codon 277 of the BLVRA protein (p.Arg277Cys). This variant is present in population databases (rs138692014, gnomAD 0.03%). This variant has not been reported in the literature in individuals affected with BLVRA-related conditions. An algorithm developed to predict the effect of missense changes on protein structure and function (PolyPhen-2) suggests that this variant is likely to be disruptive. In summary, the available evidence is currently insufficient to determine the role of this variant in disease. Therefore, it has been classified as a Variant of Uncertain Significance.